The following is an entry in ClinVar:

ClinVar aggregate classification (germline): Conflicting classifications of pathogenicity. Review status: criteria provided, conflicting classifications (1 of 4 stars). 4 submissions from 4 submitters: Uncertain significance (2); Likely benign (1). 1 of the submissions does not count toward it. Last evaluated 2025-11-06.

Conditions:
MYH9-related disorder. Identifiers: MedGen C1854520.

Allele frequency attached by ClinVar (database versions not stated): gnomAD exomes 0.00007 and 0.00015; ESP Exome Variant Server 0.00008; TOPMed 0.00008; gnomAD 0.00009; ExAC 0.00023.
gnomAD v4.1: 116 of 1,611,792 alleles (0.0072%); highest among the groups gnomAD compares: East Asian, 0.12%; 1 homozygote.

Submissions (4):

Labcorp Genetics (formerly Invitae), Labcorp
Classification: Likely benign. Last evaluated: 2025-11-06. Review status: criteria provided, single submitter. Criteria: Invitae Variant Classification Sherloc (09022015). Collection method: clinical testing. Allele origin: germline.

GeneDx
Classification: Uncertain significance. Last evaluated: 2020-06-30. Review status: criteria provided, single submitter. Criteria: GeneDx Variant Classification Process June 2021. Collection method: clinical testing. Allele origin: germline. Affected: yes.
Comment: In silico analysis supports that this missense variant has a deleterious effect on protein structure/function; This variant is associated with the following publications: (PMID: 27393652)

Laboratory for Molecular Medicine, Mass General Brigham Personalized Medicine
Classification: Uncertain significance. Last evaluated: 2014-06-10. Review status: criteria provided, single submitter. Criteria: LMM Criteria. Collection method: clinical testing. Allele origin: germline. Observed: 1 variant allele.
Comment: The Arg1730Cys variant in MYH9 has not been previously reported in individuals w ith hearing loss, but it was identified in 0.02% (1/4022) of African American ch romosomes by the NHLBI Exome Sequencing Project (S/; dbSNP rs201021615). Computational prediction tools and conservation analysis suggest that the Arg1730Cys variant may impact the protein, though this informa tion is not predictive enough to determine pathogenicity. In summary, the clinic al significance of the Arg1730Cys variant is uncertain.

PreventionGenetics, part of Exact Sciences
Classification: Likely benign for MYH9-related condition. Last evaluated: 2024-04-04. Review status: no assertion criteria provided. Collection method: clinical testing. Allele origin: germline. Not counted in ClinVar's aggregate classification.
Comment: This variant is classified as likely benign based on ACMG/AMP sequence variant interpretation guidelines (Richards et al. 2015 PMID: 25741868, with internal and published modifications).

NM_002473.6(MYH9):c.5188C>T (p.Arg1730Cys)

Gene: MYH9 (myosin heavy chain 9; minus strand). Cytogenetic location: 22q12.3.
Variant type: single nucleotide variant.
Coding change: c.5188C>T on transcript NM_002473.6 (MANE Select); coding-DNA position 5188, C replaced by T.
Protein change: p.Arg1730Cys; replaces arginine 1730 with cysteine.
Molecular consequence: missense variant.
Genome position (GRCh38, 1-based): chr22:36,285,744, G>A on the plus strand (C>T on the coding strand, the complement: MYH9 is on the minus strand). VCF-style: chr22-36285744-G-A. GRCh37 (hg19) VCF-style: chr22-36681790-G-A.
Other names: c.5188C>T (NM_002473.5); short protein forms R1730C.
Identifiers: ClinVar variation 164417 (VCV000164417.13), dbSNP rs201021615, ClinGen allele CA177066.